The following is an entry in ClinVar:

ClinVar aggregate classification (germline): Uncertain significance (1 of 4 stars; one submission).

Allele frequency attached by ClinVar (database versions not stated): gnomAD exomes 0.00001; TOPMed 0.00001.
gnomAD v4.1: 3 of 1,613,918 alleles (0.00019%); highest among the groups gnomAD compares: Admixed American, 0.005%; no homozygotes.

Submission:

Labcorp Genetics (formerly Invitae), Labcorp
Classification: Uncertain significance. Last evaluated: 2022-11-01. Review status: criteria provided, single submitter. Criteria: Invitae Variant Classification Sherloc (09022015). Collection method: clinical testing. Allele origin: germline.
Comment: This sequence change falls in intron 3 of the CA4 gene. It does not directly change the encoded amino acid sequence of the CA4 protein. It affects a nucleotide within the consensus splice site. This variant is present in population databases (no rsID available, gnomAD 0.009%). This variant has not been reported in the literature in individuals affected with CA4-related conditions. ClinVar contains an entry for this variant (Variation ID: 1384015). Variants that disrupt the consensus splice site are a relatively common cause of aberrant splicing (PMID: 17576681, 9536098). Algorithms developed to predict the effect of sequence changes on RNA splicing suggest that this variant may disrupt the consensus splice site. In summary, the available evidence is currently insufficient to determine the role of this variant in disease. Therefore, it has been classified as a Variant of Uncertain Significance.

Literature cited by the submitters: PubMed 17576681; PubMed 9536098.

NM_000717.5(CA4):c.268+4G>A

Gene: CA4 (carbonic anhydrase 4; plus strand). Cytogenetic location: 17q23.1.
Variant type: single nucleotide variant.
Coding change: c.268+4G>A on transcript NM_000717.5 (MANE Select); 4 bases into the intron after coding-DNA position 268, G replaced by A.
Molecular consequence: intron variant.
Genome position (GRCh38, 1-based): chr17:60,156,719, G>A. VCF-style: chr17-60156719-G-A. GRCh37 (hg19) VCF-style: chr17-58234080-G-A.
Identifiers: ClinVar variation 1384015 (VCV001384015.6), dbSNP rs976917275, ClinGen allele CA292205145.